The following is an entry in ClinVar:

ClinVar aggregate classification (germline): Uncertain significance (1 of 4 stars; one submission).

Submission:

Labcorp Genetics (formerly Invitae), Labcorp
Classification: Uncertain significance. Last evaluated: 2022-05-25. Review status: criteria provided, single submitter. Criteria: Invitae Variant Classification Sherloc (09022015). Collection method: clinical testing. Allele origin: germline.
Comment: This variant is not present in population databases (gnomAD no frequency). In summary, the available evidence is currently insufficient to determine the role of this variant in disease. Therefore, it has been classified as a Variant of Uncertain Significance. Algorithms developed to predict the effect of missense changes on protein structure and function are either unavailable or do not agree on the potential impact of this missense change (SIFT: "Deleterious"; PolyPhen-2: "Benign"; Align-GVGD: "Class C0"). This variant has not been reported in the literature in individuals affected with RAB11A-related conditions. This sequence change replaces glutamine, which is neutral and polar, with histidine, which is basic and polar, at codon 180 of the RAB11A protein (p.Gln180His).

NM_004663.5(RAB11A):c.540A>C (p.Gln180His)

Gene: RAB11A (RAB11A, member RAS oncogene family; plus strand). Cytogenetic location: 15q22.31.
Variant type: single nucleotide variant.
Coding change: c.540A>C on transcript NM_004663.5 (MANE Select); coding-DNA position 540, A replaced by C.
Protein change: p.Gln180His; replaces glutamine 180 with histidine.
Molecular consequence: missense variant.
Genome position (GRCh38, 1-based): chr15:65,887,729, A>C. VCF-style: chr15-65887729-A-C. GRCh37 (hg19) VCF-style: chr15-66180067-A-C.
Other names: c.445A>C, p.Asn149His (NM_001206836.2); short protein forms Q180H, N149H.
Identifiers: ClinVar variation 1998695 (VCV001998695.4), dbSNP rs2549038453, ClinGen allele CA392924977.